The following is an entry in ClinVar:

NM_000051.4(ATM):c.5044G>T (p.Asp1682Tyr)

Gene: ATM (ATM serine/threonine kinase; plus strand). Cytogenetic location: 11q22.3.
Variant type: single nucleotide variant.
Coding change: c.5044G>T on transcript NM_000051.4 (MANE Select); coding-DNA position 5044, G replaced by T.
Protein change: p.Asp1682Tyr; replaces aspartic acid 1682 with tyrosine.
Molecular consequence: missense variant.
Genome position (GRCh38, 1-based): chr11:108,299,752, G>T. VCF-style: chr11-108299752-G-T. GRCh37 (hg19) VCF-style: chr11-108170479-G-T.
Other names: c.5044G>T, p.Asp1682Tyr (NM_001351834.2); short protein forms D1682Y.
Identifiers: ClinVar variation 1744971 (VCV001744971.9), dbSNP rs121434217, ClinGen allele CA382540392.

ClinVar aggregate classification (germline): Uncertain significance. Review status: criteria provided, multiple submitters, no conflicts (2 of 4 stars). 3 submissions from 3 submitters: Uncertain significance (3). Last evaluated 2026-05-14.

Conditions:
Ataxia-telangiectasia syndrome (AT). Also called: Cerebello-oculocutaneous telangiectasia; Immunodeficiency with ataxia telangiectasia; ATAXIA-TELANGIECTASIA, COMPLEMENTATION GROUP A; ATAXIA-TELANGIECTASIA, FRESNO VARIANT; Ataxia-telangiectasia; Ataxia-telangiectasia, complementation group D. Identifiers: Orphanet 100, MedGen C0004135, MONDO:0008840, OMIM 208900.
Hereditary cancer-predisposing syndrome. Also called: Tumor predisposition; Neoplastic Syndromes, Hereditary; Hereditary Cancer Syndrome; Hereditary neoplastic syndrome. Identifiers: Orphanet 140162, MedGen C0027672, MeSH D009386, MONDO:0015356.

Submissions (3):

Women's Health and Genetics/Laboratory Corporation of America, LabCorp
Classification: Uncertain significance. Last evaluated: 2026-05-14. Review status: criteria provided, single submitter. Criteria: LabCorp Variant Classification Summary - May 2015. Collection method: clinical testing. Allele origin: germline.
Comment: Variant summary: ATM c.5044G>T (p.Asp1682Tyr) results in a non-conservative amino acid change in the encoded protein sequence. Algorithms developed to predict the effect of missense changes on protein structure and function are either unavailable or do not agree on the potential impact of this missense change. The variant was absent in 251186 control chromosomes. The available data on variant occurrences in the general population are insufficient to allow any conclusion about variant significance. c.5044G>T has been observed in individuals affected with breast cancer without strong evidence for causality (Broeks_2008, Tavtigian_2009). These reports do not provide unequivocal conclusions about association of the variant with Ataxia-telangiectasia syndrome. To our knowledge, no experimental evidence demonstrating an impact on protein function has been reported. The following publications have been ascertained in the context of this evaluation (PMID: 17393301, 19781682). ClinVar contains an entry for this variant (Variation ID: 1744971). Based on the evidence outlined above, the variant was classified as uncertain significance.

Ambry Genetics
Classification: Uncertain significance for Hereditary cancer-predisposing syndrome. Last evaluated: 2023-05-10. Review status: criteria provided, single submitter. Criteria: Ambry Variant Classification Scheme 2023. Collection method: clinical testing. Allele origin: germline.
Comment: The p.D1682Y variant (also known as c.5044G>T), located in coding exon 33 of the ATM gene, results from a G to T substitution at nucleotide position 5044. The aspartic acid at codon 1682 is replaced by tyrosine, an amino acid with highly dissimilar properties. This alteration has been detected in 1/4112 breast cancer patients and 0/2399 healthy control individuals across numerous studies (Tavtigian SV et al. Am. J. Hum. Genet. 2009 Oct;85:427-46). This amino acid position is well conserved in available vertebrate species. In addition, this alteration is predicted to be deleterious by in silico analysis. Since supporting evidence is limited at this time, the clinical significance of this alteration remains unclear.

Labcorp Genetics (formerly Invitae), Labcorp
Classification: Uncertain significance for Ataxia-telangiectasia syndrome. Last evaluated: 2022-07-14. Review status: criteria provided, single submitter. Criteria: Invitae Variant Classification Sherloc (09022015). Collection method: clinical testing. Allele origin: germline.
Comment: In summary, the available evidence is currently insufficient to determine the role of this variant in disease. Therefore, it has been classified as a Variant of Uncertain Significance. Algorithms developed to predict the effect of sequence changes on RNA splicing suggest that this variant may create or strengthen a splice site. This sequence change replaces aspartic acid, which is acidic and polar, with tyrosine, which is neutral and polar, at codon 1682 of the ATM protein (p.Asp1682Tyr). This variant is not present in population databases (gnomAD no frequency). This missense change has been observed in individual(s) with ATM-related cance (PMID: 17393301, 19781682). Advanced modeling of protein sequence and biophysical properties (such as structural, functional, and spatial information, amino acid conservation, physicochemical variation, residue mobility, and thermodynamic stability) performed at Invitae indicates that this missense variant is not expected to disrupt ATM protein function.

Literature cited by the submitters: PubMed 17393301 (cited by Women's Health and Genetics/Laboratory Corporation of America, LabCorp and Labcorp Genetics (formerly Invitae), Labcorp); PubMed 19781682 (cited by Women's Health and Genetics/Laboratory Corporation of America, LabCorp and Labcorp Genetics (formerly Invitae), Labcorp).